The following is an entry in ClinVar:

ClinVar aggregate classification (germline): Likely benign (1 of 4 stars; one submission).

Allele frequency attached by ClinVar (database versions not stated): TOPMed 0.00011; gnomAD 0.00013; ESP Exome Variant Server 0.00015; gnomAD exomes 0.00017; ExAC 0.00026.

Submission:

CeGaT Center for Human Genetics Tuebingen
Classification: Likely benign. Last evaluated: 2023-08-01. Review status: criteria provided, single submitter. Criteria: CeGaT Center For Human Genetics Tuebingen Variant Classification Criteria Version 2. Collection method: clinical testing. Allele origin: germline. Affected: yes. Observed: 1 variant allele.
Comment: ACADL: BP4, BP7

NM_001608.4(ACADL):c.138T>C (p.Asp46=)

Gene: ACADL (acyl-CoA dehydrogenase long chain; minus strand). Cytogenetic location: 2q34.
Variant type: single nucleotide variant.
Coding change: c.138T>C on transcript NM_001608.4 (MANE Select); coding-DNA position 138, T replaced by C.
Protein change: p.Asp46=; no amino-acid change (aspartic acid 46 retained).
Molecular consequence: synonymous variant.
Genome position (GRCh38, 1-based): chr2:210,220,742, A>G on the plus strand (T>C on the coding strand, the complement: ACADL is on the minus strand). VCF-style: chr2-210220742-A-G. GRCh37 (hg19) VCF-style: chr2-211085466-A-G.
Identifiers: ClinVar variation 2651860 (VCV002651860.24), dbSNP rs201963746, ClinGen allele CA2085108.
Genomic context (GRCh38, chr2:210,220,742, plus strand): 5'-CTTCCTTACACTTTTCCGGAAAATGTCATGCTCTGGAGAAAAGATTCTTCGAATTCCTAT[A>G]TCTGTTAATTTTTTAGCAGAAGGAGTTTCTAGACGTTCTTCCCCTCCGGAATGAGAACAT-3'
Protein context (NP_001599.1, residues 36-56): LETPSAKKLT[Asp46=]IGIRRIFSPE